The following is an entry in ClinVar:

NM_001195518.2(MICU1):c.355C>T (p.Arg119Ter)

Gene: MICU1 (mitochondrial calcium uptake 1; minus strand). Cytogenetic location: 10q22.1.
Variant type: single nucleotide variant.
Coding change: c.355C>T on transcript NM_001195518.2 (MANE Select); coding-DNA position 355, C replaced by T.
Protein change: p.Arg119Ter; replaces arginine 119 with a stop codon.
Molecular consequence: nonsense.
Genome position (GRCh38, 1-based): chr10:72,551,317, G>A on the plus strand (C>T on the coding strand, the complement: MICU1 is on the minus strand). VCF-style: chr10-72551317-G-A. GRCh37 (hg19) VCF-style: chr10-74311075-G-A.
Other names: c.355C>T, p.Arg119Ter (NM_001363513.2, NM_006077.4); c.355C>T (NM_001195518.1); short protein forms R119*.
Identifiers: ClinVar variation 431921 (VCV000431921.15), dbSNP rs538329212, ClinGen allele CA209804361.

ClinVar aggregate classification (germline): Pathogenic. Review status: criteria provided, multiple submitters, no conflicts (2 of 4 stars). 5 submissions from 5 submitters: Pathogenic (5). Last evaluated 2025-08-18.

Conditions:
Proximal myopathy with extrapyramidal signs. Also called: Myopathy with extrapyramidal signs. Identifiers: Orphanet 401768, MedGen C3810285, MONDO:0014300, OMIM 615673.

Allele frequency attached by ClinVar (database versions not stated): TOPMed 0.00002.
gnomAD v4.1: 14 of 1,611,204 alleles (0.00087%); highest among the groups gnomAD compares: Middle Eastern, 0.066%; no homozygotes.

Submissions (5):

Labcorp Genetics (formerly Invitae), Labcorp
Classification: Pathogenic. Last evaluated: 2025-08-18. Review status: criteria provided, single submitter. Criteria: Invitae Variant Classification Sherloc (09022015). Collection method: clinical testing. Allele origin: germline.
Comment: This sequence change creates a premature translational stop signal (p.Arg119*) in the MICU1 gene. It is expected to result in an absent or disrupted protein product. Loss-of-function variants in MICU1 are known to be pathogenic (PMID: 24336167). This variant is present in population databases (rs538329212, gnomAD 0.002%). This variant has not been reported in the literature in individuals affected with MICU1-related conditions. ClinVar contains an entry for this variant (Variation ID: 431921). For these reasons, this variant has been classified as Pathogenic.

Women's Health and Genetics/Laboratory Corporation of America, LabCorp
Classification: Pathogenic for Proximal myopathy with extrapyramidal signs. Last evaluated: 2024-03-05. Review status: criteria provided, single submitter. Criteria: LabCorp Variant Classification Summary - May 2015. Collection method: clinical testing. Allele origin: germline.
Comment: Variant summary: CBARA1 c.355C>T (p.Arg119X) results in a premature termination codon, predicted to cause a truncation of the encoded protein or absence of the protein due to nonsense mediated decay, which are commonly known mechanisms for disease. The variant allele was found at a frequency of 8.1e-06 in 246226 control chromosomes. To our knowledge, no occurrence of c.355C>T in individuals affected with Proximal Myopathy With Extrapyramidal Signs and no experimental evidence demonstrating its impact on protein function have been reported. ClinVar contains an entry for this variant (Variation ID: 431921). Based on the evidence outlined above, the variant was classified as pathogenic.

Victorian Clinical Genetics Services, Murdoch Childrens Research Institute
Classification: Pathogenic for Proximal myopathy with extrapyramidal signs. Last evaluated: 2023-07-17. Review status: criteria provided, single submitter. Criteria: ACMG Guidelines, 2015. Collection method: clinical testing. Allele origin: germline. Inheritance: Autosomal recessive inheritance. Affected: yes.
Comment: Based on the classification scheme VCGS_Germline_v1.3.4, this variant is classified as Pathogenic. Following criteria are met: 0102 - Loss of function is a known mechanism of disease in this gene and is associated with myopathy with extrapyramidal signs (MIM#615673). (I) 0106 - This gene is associated with autosomal recessive disease. (I) 0201 - Variant is predicted to cause nonsense-mediated decay (NMD) and loss of protein (premature termination codon is located at least 54 nucleotides upstream of the final exon-exon junction). (SP) 0252 - This variant is homozygous. (I) 0304 - Variant is present in gnomAD <0.01 for a recessive condition (v3: 4 heterozygotes, 0 homozygotes). (SP) 0701 - Other NMD-predicted variants comparable to the one identified in this case have very strong previous evidence for pathogenicity (ClinVar). (SP) 0803 - This variant has limited previous evidence of pathogenicity in unrelated individuals. This variant has been classified as pathogenic by two clinical laboratories in ClinVar. (SP) 0905 - No published segregation evidence has been identified for this variant. (I) 1007 - No published functional evidence has been identified for this variant. (I) Legend: (SP) - Supporting pathogenic, (I) - Information, (SB) - Supporting benign

GeneDx
Classification: Pathogenic. Last evaluated: 2022-03-08. Review status: criteria provided, single submitter. Criteria: GeneDx Variant Classification Process June 2021. Collection method: clinical testing. Allele origin: germline. Affected: yes.
Comment: Nonsense variant predicted to result in protein truncation or nonsense mediated decay in a gene for which loss-of-function is a known mechanism of disease; Not observed at a significant frequency in large population cohorts (gnomAD); Has not been previously published as pathogenic or benign to our knowledge

Kariminejad - Najmabadi Pathology & Genetics Center
Classification: Pathogenic for Proximal myopathy with extrapyramidal signs. Last evaluated: 2021-08-24. Review status: criteria provided, single submitter. Criteria: ACMG Guidelines, 2015. Collection method: clinical testing. Allele origin: germline. Inheritance: Autosomal recessive inheritance. Affected: yes.

Literature cited by the submitters: PubMed 24336167 (cited by Labcorp Genetics (formerly Invitae), Labcorp).